The following is an entry in ClinVar:

ClinVar aggregate classification (germline): Likely pathogenic. Review status: criteria provided, multiple submitters, no conflicts (2 of 4 stars). 3 submissions from 3 submitters: Likely pathogenic (2). 1 of the submissions does not count toward it. Last evaluated 2026-01-26.

Conditions:
Hepatoencephalopathy due to combined oxidative phosphorylation defect type 1. Also called: HEPATOENCEPHALOPATHY, EARLY FATAL PROGRESSIVE. Identifiers: Orphanet 137681, MedGen C1836797, MONDO:0012191, OMIM 609060.

Allele frequency attached by ClinVar (database versions not stated): gnomAD exomes below 0.00001 and 0.00001; ExAC 0.00002.
gnomAD v4.1: 1 of 1,614,182 alleles (0.000062%); highest among the groups gnomAD compares: South Asian, 0.0011%; no homozygotes.

Submissions (3):

Natera, Inc.
Classification: Likely pathogenic for Combined oxidative phosphorylation deficiency 1. Last evaluated: 2026-01-26. Review status: criteria provided, single submitter. Criteria: Natera Variant Classification Schema (03/2026). Collection method: clinical testing. Allele origin: germline.
Comment: The c.409G>A variant in GFM1 is a missense variant predicted to cause substitution of valine to methionine at amino acid 137. This variant is rare in the general population with a frequency below the threshold expected for the associated phenotype(s). This variant has been observed in one or more individuals affected with the associated recessive disease, as either homozygous or compound heterozygous with a second variant (PMID: 35703069). This variant has been observed to segregate in affected family members (PMID: 35703069). Computational prediction algorithms indicate this variant is likely to affect gene or protein function. Given the available evidence, this variant is classified as Likely Pathogenic.

Women's Health and Genetics/Laboratory Corporation of America, LabCorp
Classification: Likely pathogenic for Hepatoencephalopathy due to combined oxidative phosphorylation defect type 1. Last evaluated: 2025-02-03. Review status: criteria provided, single submitter. Criteria: LabCorp Variant Classification Summary - May 2015. Collection method: clinical testing. Allele origin: germline.
Comment: Variant summary: GFM1 c.409G>A (p.Val137Met) results in a conservative amino acid change in the encoded protein sequence. Four of five in-silico tools predict a damaging effect of the variant on protein function. The variant allele was found at a frequency of 8e-06 in 251326 control chromosomes (gnomAD). c.409G>A has been reported in the literature in individuals affected with developmental delay, dystonia, polymicrogyria, and severe intellectual disability (Khan_2022). These data indicate that the variant is likely to be associated with disease. To our knowledge, no experimental evidence demonstrating an impact on protein function has been reported. The following publication has been ascertained in the context of this evaluation (PMID: 35703069). ClinVar contains an entry for this variant (Variation ID: 1120022). Based on the evidence outlined above, the variant was classified as likely pathogenic.

Rare Diseases Genetics and Genomics, Islamia College Peshawar
Classification: Pathogenic for Hepatoencephalopathy due to combined oxidative phosphorylation defect type 1. Last evaluated: 2021-05-19. Review status: no assertion criteria provided. Collection method: research. Allele origin: inherited. Inheritance: Autosomal recessive inheritance. Affected: yes. Observed: 4 variant alleles, 4 compound heterozygotes. Not counted in ClinVar's aggregate classification.
Comment: NM_001308164.1:c.409G>A; p.Val137Met and NM_001308164.1:c.1880G>A; Polyphen-2, SIFT and MutationTaster predicted these variants as "disease causing" or "damaging" or "pathogenic". These variants segregated correctly in the four affected siblings and their unaffected parents were heterozygous (mother = c.409G>A; p.Val137Met; father = c.1880G>A; p.Arg627Gln)

Literature cited by the submitters: PubMed 35703069 (cited by Natera, Inc. and Women's Health and Genetics/Laboratory Corporation of America, LabCorp).

NM_024996.7(GFM1):c.409G>A (p.Val137Met)

Gene: GFM1 (G elongation factor mitochondrial 1; plus strand). Cytogenetic location: 3q25.32.
Variant type: single nucleotide variant.
Coding change: c.409G>A on transcript NM_024996.7 (MANE Select); coding-DNA position 409, G replaced by A.
Protein change: p.Val137Met; replaces valine 137 with methionine.
Molecular consequence: missense variant. On other transcripts: non-coding transcript variant (3), intron variant (4).
Genome position (GRCh38, 1-based): chr3:158,646,784, G>A. VCF-style: chr3-158646784-G-A. GRCh37 (hg19) VCF-style: chr3-158364573-G-A.
Other names: c.409G>A, p.Val137Met (NM_001308164.2, NM_001308166.2, NM_001374355.1 and 1 more transcripts); c.184G>A, p.Val62Met (NM_001374357.1); c.5+1003G>A (NM_001374359.1, NM_001374360.1, NM_001374361.1); c.234+1003G>A (NM_001374358.1); c.409G>A (NM_024996.5); short protein forms V137M, V62M.
Identifiers: ClinVar variation 1120022 (VCV001120022.5), dbSNP rs767325554, ClinGen allele CA2682326.